The following is an entry in ClinVar:

NM_000271.5(NPC1):c.2777C>T (p.Ala926Val)

Gene: NPC1 (NPC intracellular cholesterol transporter 1; minus strand). Cytogenetic location: 18q11.2.
Variant type: single nucleotide variant.
Coding change: c.2777C>T on transcript NM_000271.5 (MANE Select); coding-DNA position 2777, C replaced by T.
Protein change: p.Ala926Val; replaces alanine 926 with valine.
Molecular consequence: missense variant.
Genome position (GRCh38, 1-based): chr18:23,539,829, G>A on the plus strand (C>T on the coding strand, the complement: NPC1 is on the minus strand). VCF-style: chr18-23539829-G-A. GRCh37 (hg19) VCF-style: chr18-21119793-G-A.
Other names: short protein forms A926V.
Identifiers: ClinVar variation 181456 (VCV000181456.9), dbSNP rs730880963, ClinGen allele CA297012.
Genomic context (GRCh38, chr18:23,539,829, plus strand): 5'-CTCCTCCGCTGCTTCTGAAGTACAAGACAAGGTGGTACTGACTAGTTGTCCAGCTGCGCC[G>A]CGTTAAATATCTGCTGCACCAGGGAATCATTGTTGCAGCCCATGCCGCCGCACACCATGT-3'
Protein context (NP_000262.2, residues 916-936): NDSLVQQIFN[Ala926Val]AQLDNYTRIG

ClinVar aggregate classification (germline): Pathogenic/Likely pathogenic. Review status: criteria provided, multiple submitters, no conflicts (2 of 4 stars). 5 submissions from 5 submitters: Pathogenic (3); Likely pathogenic (2). Last evaluated 2025-10-15.

Conditions:
NPC1-related disorder. Also called: NPC1-related condition.
Niemann-Pick disease, type C1. Also called: NEUROVISCERAL STORAGE DISEASE WITH VERTICAL SUPRANUCLEAR OPHTHALMOPLEGIA; NIEMANN-PICK DISEASE WITH CHOLESTEROL ESTERIFICATION BLOCK; NIEMANN-PICK DISEASE WITHOUT SPHINGOMYELINASE DEFICIENCY; NIEMANN-PICK DISEASE, CHRONIC NEURONOPATHIC FORM; NIEMANN-PICK DISEASE, VARIANT TYPE C1. Identifiers: Orphanet 646, MedGen C3179455, MONDO:0009757, OMIM 257220.

Allele frequency attached by ClinVar (database versions not stated): gnomAD exomes below 0.00001; ExAC 0.00001; gnomAD 0.00001 and 0.00002; TOPMed 0.00001.
gnomAD v4.1: 9 of 1,614,042 alleles (0.00056%); highest among the groups gnomAD compares: African/African-American, 0.0027%; no homozygotes.

Submissions (5):

Natera, Inc.
Classification: Likely pathogenic for Niemann-Pick disease type C1. Last evaluated: 2025-10-15. Review status: criteria provided, single submitter. Criteria: Natera Variant Classification Schema (03/2026). Collection method: clinical testing. Allele origin: germline.
Comment: The c.2777C>T variant in NPC1 is a missense variant predicted to cause substitution of alanine to valine at amino acid 926. This variant is rare in the general population with a frequency below the threshold expected for the associated phenotype(s). This variant has been observed in one or more individuals affected with the associated recessive disease, as either homozygous or compound heterozygous with a second variant (PMID: 23433426, 22326530, 27250337, 32860008). A different variant at the same position has been determined to be Pathogenic or Likely Pathogenic. Computational prediction algorithms indicate this variant is likely to affect gene or protein function. Given the available evidence, this variant is classified as Likely Pathogenic.

PreventionGenetics, part of Exact Sciences
Classification: Pathogenic for NPC1-related condition. Last evaluated: 2025-09-29. Review status: criteria provided, single submitter. Criteria: ACMG Guidelines, 2015. Collection method: clinical testing. Allele origin: germline.
Comment: The NPC1 c.2777C>T variant is predicted to result in the amino acid substitution p.Ala926Val. This variant was reported, along with a second variant in NPC1, in two unrelated individuals with Niemann-Pick disease, type C (Stampfer et al. 2013. PubMed ID: 23433426; Degtyareva et al. 2016. PubMed ID: 27250337). It has also been reported in the homozygous state in an individual with Niemann-Pick disease (Bertoli-Avella et al. 2021. PubMed ID: 32860008, Table S2). This variant has not been reported in a large population database (gnomAD), indicating this variant is rare. An alternate nucleotide change affecting the same amino acid (p.Ala926Thr) has been reported, along with a second variant in NPC1, in individuals with Niemann-Pick disease, type C (Fernandez-Valero et al. 2005. PubMed ID: 16098014; Dardis et al. 2020. PubMed ID: 32138288; Havla et al. 2020. PubMed ID: 32222928). The c.2777C>T (p.Ala926Val) variant is interpreted as pathogenic.

Labcorp Genetics (formerly Invitae), Labcorp
Classification: Pathogenic for Niemann-Pick disease, type C1. Last evaluated: 2025-07-21. Review status: criteria provided, single submitter. Criteria: Invitae Variant Classification Sherloc (09022015). Collection method: clinical testing. Allele origin: germline.
Comment: This sequence change replaces alanine, which is neutral and non-polar, with valine, which is neutral and non-polar, at codon 926 of the NPC1 protein (p.Ala926Val). This variant is present in population databases (rs730880963, gnomAD 0.0009%). This missense change has been observed in individuals with Niemann-Pick disease type C (PMID: 22326530, 23433426, 27250337, 32860008). ClinVar contains an entry for this variant (Variation ID: 181456). Invitae Evidence Modeling of protein sequence and biophysical properties (such as structural, functional, and spatial information, amino acid conservation, physicochemical variation, residue mobility, and thermodynamic stability) indicates that this missense variant is expected to disrupt NPC1 protein function with a positive predictive value of 95%. For these reasons, this variant has been classified as Pathogenic.

AiLife Diagnostics
Classification: Likely pathogenic. Last evaluated: 2022-03-15. Review status: criteria provided, single submitter. Criteria: ACMG Guidelines, 2015. Collection method: clinical testing. Allele origin: germline. Affected: yes. Observed: 1 variant allele.

CENTOGENE GmbH and LLC - Guiding Precision Medicine
Classification: Pathogenic for Niemann-Pick disease, type C1. Review status: criteria provided, single submitter. Criteria: ACMG Guidelines, 2015. Collection method: clinical testing. Allele origin: germline. Affected: yes.

Literature cited by the submitters: PubMed 23433426 (cited by 3 submitters); PubMed 22326530 (cited by Natera, Inc. and Labcorp Genetics (formerly Invitae), Labcorp); PubMed 27250337 (cited by 3 submitters); PubMed 32860008 (cited by 4 submitters).